The following is an entry in ClinVar:

NM_177438.3(DICER1):c.38G>T (p.Gly13Val)

Gene: DICER1 (dicer 1, ribonuclease III; minus strand). Cytogenetic location: 14q32.13.
Variant type: single nucleotide variant.
Coding change: c.38G>T on transcript NM_177438.3 (MANE Select); coding-DNA position 38, G replaced by T.
Protein change: p.Gly13Val; replaces glycine 13 with valine.
Molecular consequence: missense variant.
Genome position (GRCh38, 1-based): chr14:95,133,421, C>A on the plus strand (G>T on the coding strand, the complement: DICER1 is on the minus strand). VCF-style: chr14-95133421-C-A. GRCh37 (hg19) VCF-style: chr14-95599758-C-A.
Other names: c.38G>T, p.Gly13Val (NM_001195573.1, NM_001271282.3, NM_001291628.2 and 1 more transcripts); short protein forms G13V.
Identifiers: ClinVar variation 824357 (VCV000824357.18), dbSNP rs1060503610, ClinGen allele CA390890720.

ClinVar aggregate classification (germline): Uncertain significance. Review status: criteria provided, multiple submitters, no conflicts (2 of 4 stars). 4 submissions from 4 submitters: Uncertain significance (4). Last evaluated 2026-02-11.

Conditions:
Global developmental delay - lung cysts - overgrowth - Wilms tumor syndrome. Also called: GLOBAL DEVELOPMENTAL DELAY, LUNG CYSTS, OVERGROWTH, AND WILMS TUMOR; GLOW Syndrome. Identifiers: Orphanet 404476, MedGen C4748924, MONDO:0018445, OMIM 618272.
DICER1-related tumor predisposition. Also called: DICER1-related pleuropulmonary blastoma cancer predisposition syndrome; DICER1 syndrome. Identifiers: Orphanet 284343, MedGen C3839822, MONDO:0100216.
Pleuropulmonary blastoma (PPB). Identifiers: Orphanet 64742, MedGen C1266144, MONDO:0011014, OMIM 601200, HP:0100528.
Hereditary cancer-predisposing syndrome. Also called: Neoplastic Syndromes, Hereditary; Hereditary Cancer Syndrome; Hereditary neoplastic syndrome; Tumor predisposition. Identifiers: Orphanet 140162, MedGen C0027672, MeSH D009386, MONDO:0015356.

gnomAD v4.1: 1 of 1,613,988 alleles (0.000062%); highest among the groups gnomAD compares: Non-Finnish European, 0.000085%; no homozygotes.

Submissions (4):

St. Jude Molecular Pathology, St. Jude Children's Research Hospital
Classification: Uncertain significance for Pleuropulmonary blastoma. Last evaluated: 2026-02-11. Review status: criteria provided, single submitter. Criteria: St. Jude Assertion Criteria 2020. Collection method: clinical testing. Allele origin: germline.
Comment: The DICER1 c.38G>T p.(Gly13Val) missense change is absent in gnomAD v2.1.1. The in silico tool REVEL is inconclusive about a pathogenic or benign effect of this variant on protein function, and to our knowledge functional studies have not been performed. To our knowledge, this variant has not been reported in individuals with DICER1 syndrome. In summary, the evidence currently available is insufficient to determine the clinical significance of this variant. It has therefore been classified as of uncertain significance.

Ambry Genetics
Classification: Uncertain significance for Hereditary cancer-predisposing syndrome. Last evaluated: 2025-11-14. Review status: criteria provided, single submitter. Criteria: Ambry Variant Classification Scheme 2023. Collection method: clinical testing. Allele origin: germline.
Comment: The p.G13V variant (also known as c.38G>T), located in coding exon 1 of the DICER1 gene, results from a G to T substitution at nucleotide position 38. The glycine at codon 13 is replaced by valine, an amino acid with dissimilar properties. This amino acid position is highly conserved in available vertebrate species. In addition, the in silico prediction for this alteration is inconclusive. Based on the available evidence, the clinical significance of this variant remains unclear.

Labcorp Genetics (formerly Invitae), Labcorp
Classification: Uncertain significance for DICER1-related tumor predisposition. Last evaluated: 2025-04-27. Review status: criteria provided, single submitter. Criteria: Invitae Variant Classification Sherloc (09022015). Collection method: clinical testing. Allele origin: germline.
Comment: This sequence change replaces glycine, which is neutral and non-polar, with valine, which is neutral and non-polar, at codon 13 of the DICER1 protein (p.Gly13Val). This variant is not present in population databases (gnomAD no frequency). This variant has not been reported in the literature in individuals affected with DICER1-related conditions. ClinVar contains an entry for this variant (Variation ID: 824357). Invitae Evidence Modeling of protein sequence and biophysical properties (such as structural, functional, and spatial information, amino acid conservation, physicochemical variation, residue mobility, and thermodynamic stability) indicates that this missense variant is expected to disrupt DICER1 protein function with a positive predictive value of 95%. In summary, the available evidence is currently insufficient to determine the role of this variant in disease. Therefore, it has been classified as a Variant of Uncertain Significance.

Baylor Genetics
Classification: Uncertain significance for Global developmental delay - lung cysts - overgrowth - Wilms tumor syndrome. Last evaluated: 2023-05-11. Review status: criteria provided, single submitter. Criteria: ACMG Guidelines, 2015. Collection method: clinical testing. Allele origin: unknown.